The following is an entry in ClinVar:

ClinVar aggregate classification (germline): Pathogenic (1 of 4 stars; one submission).

Allele frequency attached by ClinVar (database versions not stated): gnomAD exomes below 0.00001 and 0.00001; ExAC 0.00001; gnomAD 0.00001.
gnomAD v4.1: 19 of 1,611,656 alleles (0.0012%); highest among the groups gnomAD compares: African/African-American, 0.004%; no homozygotes.

Submission:

Labcorp Genetics (formerly Invitae), Labcorp
Classification: Pathogenic. Last evaluated: 2024-10-12. Review status: criteria provided, single submitter. Criteria: Invitae Variant Classification Sherloc (09022015). Collection method: clinical testing. Allele origin: germline.
Comment: This sequence change creates a premature translational stop signal (p.Arg1105*) in the CENPJ gene. It is expected to result in an absent or disrupted protein product. Loss-of-function variants in CENPJ are known to be pathogenic (PMID: 15793586, 16900296, 20522431). This variant is present in population databases (rs761034946, gnomAD 0.0009%). This variant has not been reported in the literature in individuals affected with CENPJ-related conditions. ClinVar contains an entry for this variant (Variation ID: 1456229). Algorithms developed to predict the effect of sequence changes on RNA splicing suggest that this variant may disrupt the consensus splice site. For these reasons, this variant has been classified as Pathogenic.

Literature cited by the submitters: PubMed 15793586; PubMed 16900296; PubMed 20522431.

NM_018451.5(CPAP):c.3313C>T (p.Arg1105Ter)

Genes: CPAP (centrosome assembly and centriole elongation protein; minus strand), RNF17 (ring finger protein 17; plus strand). Cytogenetic location: 13q12.12.
Variant type: single nucleotide variant.
Coding change: c.3313C>T on transcript NM_018451.5 (MANE Select); coding-DNA position 3313, C replaced by T.
Protein change: p.Arg1105Ter; replaces arginine 1105 with a stop codon.
Molecular consequence: nonsense. On other transcripts: non-coding transcript variant (2).
Genome position (GRCh38, 1-based): chr13:24,885,659, G>A on the plus strand (C>T on the coding strand, the complement: CPAP is on the minus strand). VCF-style: chr13-24885659-G-A. GRCh37 (hg19) VCF-style: chr13-25459797-G-A.
Other names: short protein forms R1105*.
Identifiers: ClinVar variation 1456229 (VCV001456229.7), dbSNP rs761034946, ClinGen allele CA6919324.
Genomic context (GRCh38, chr13:24,885,659, plus strand): 5'-GATTTACTTGTCCCTTATCCAAATTGCCTAAATCACGAGGAGGTGCAGACTTGGATCTTC[G>A]AGGTGGATTGCCTATTAGAATAAAATTGTCAAGAGTTAGATTTAATATTTAATTGAAAAT-3'